The following is an entry in ClinVar:

ClinVar aggregate classification (germline): Uncertain significance. Review status: criteria provided, multiple submitters, no conflicts (2 of 4 stars). 2 submissions from 2 submitters: Uncertain significance (2). Last evaluated 2026-08-08.

Conditions:
Hereditary cancer-predisposing syndrome. Also called: Tumor predisposition; Hereditary neoplastic syndrome; Neoplastic Syndromes, Hereditary; Hereditary Cancer Syndrome. Identifiers: Orphanet 140162, MedGen C0027672, MeSH D009386, MONDO:0015356.

Submissions (2):

Ambry Genetics
Classification: Uncertain significance for Hereditary cancer-predisposing syndrome. Last evaluated: 2026-08-08. Review status: criteria provided, single submitter. Criteria: Ambry Variant Classification Scheme 2023. Collection method: clinical testing. Allele origin: germline.
Comment: The p.I1423M variant (also known as c.4269C>G), located in coding exon 33 of the POLE gene, results from a C to G substitution at nucleotide position 4269. The isoleucine at codon 1423 is replaced by methionine, an amino acid with highly similar properties. This amino acid position is conserved. In addition, this alteration is predicted to be tolerated by in silico analysis. Based on the available evidence, the clinical significance of this variant remains unclear.

Labcorp Genetics (formerly Invitae), Labcorp
Classification: Uncertain significance. Last evaluated: 2022-08-16. Review status: criteria provided, single submitter. Criteria: Invitae Variant Classification Sherloc (09022015). Collection method: clinical testing. Allele origin: germline.
Comment: In summary, the available evidence is currently insufficient to determine the role of this variant in disease. Therefore, it has been classified as a Variant of Uncertain Significance. Algorithms developed to predict the effect of missense changes on protein structure and function are either unavailable or do not agree on the potential impact of this missense change (SIFT: "Deleterious"; PolyPhen-2: "Probably Damaging"; Align-GVGD: "Class C0"). This variant has not been reported in the literature in individuals affected with POLE-related conditions. This variant is not present in population databases (gnomAD no frequency). This sequence change replaces isoleucine, which is neutral and non-polar, with methionine, which is neutral and non-polar, at codon 1423 of the POLE protein (p.Ile1423Met).

NM_006231.4(POLE):c.4269C>G (p.Ile1423Met)

Gene: POLE (DNA polymerase epsilon, catalytic subunit; minus strand). Cytogenetic location: 12q24.33.
Variant type: single nucleotide variant.
Coding change: c.4269C>G on transcript NM_006231.4 (MANE Select); coding-DNA position 4269, C replaced by G.
Protein change: p.Ile1423Met; replaces isoleucine 1423 with methionine.
Molecular consequence: missense variant.
Genome position (GRCh38, 1-based): chr12:132,643,858, G>C on the plus strand (C>G on the coding strand, the complement: POLE is on the minus strand). VCF-style: chr12-132643858-G-C. GRCh37 (hg19) VCF-style: chr12-133220444-G-C.
Other names: c.4269C>G (NM_006231.2); short protein forms I1423M.
Identifiers: ClinVar variation 1716523 (VCV001716523.6), dbSNP rs761413102, ClinGen allele CA387381843.